The following is an entry in ClinVar:

NM_001005373.4(LRSAM1):c.1160C>A (p.Ser387Tyr)

Gene: LRSAM1 (leucine rich repeat and sterile alpha motif containing 1; plus strand). Cytogenetic location: 9q33.3.
Variant type: single nucleotide variant.
Coding change: c.1160C>A on transcript NM_001005373.4 (MANE Select); coding-DNA position 1160, C replaced by A.
Protein change: p.Ser387Tyr; replaces serine 387 with tyrosine.
Molecular consequence: missense variant. On other transcripts: non-coding transcript variant (2).
Genome position (GRCh38, 1-based): chr9:127,485,736, C>A. VCF-style: chr9-127485736-C-A. GRCh37 (hg19) VCF-style: chr9-130248015-C-A.
Other names: c.1160C>A, p.Ser387Tyr (NM_001005374.4, NM_001190723.3, NM_001384142.1 and 2 more transcripts); c.371C>A, p.Ser124Tyr (NM_001384144.1); short protein forms S387Y, S124Y.
Identifiers: ClinVar variation 539995 (VCV000539995.11), dbSNP rs758094270, ClinGen allele CA5246880.
Genomic context (GRCh38, chr9:127,485,736, plus strand): 5'-TGCCCAGGTGCCCCAGGAGCAGCCACTCCACTCAGCTGTCCCCACCTCATGTTCCCACAG[C>A]CGCCATGCAGCAGATGCTGACTGAGAGCTGTAAGAACCGGCTCATCCAGATGGCCTACGA-3'
Protein context (NP_001005373.1, residues 377-397): TESLRRRDVA[Ser387Tyr]AMQQMLTESC

ClinVar aggregate classification (germline): Uncertain significance (1 of 4 stars; one submission).

Conditions:
Charcot-Marie-Tooth disease axonal type 2P. Also called: CHARCOT-MARIE-TOOTH DISEASE, AXONAL, TYPE 2G; CMT 2G; CHARCOT-MARIE-TOOTH NEUROPATHY, TYPE 2P; Charcot-Marie-Tooth Neuropathy Type 2G. Identifiers: Orphanet 300319, Orphanet 99941, MedGen C3280797, MONDO:0013753, OMIM 614436.

Allele frequency attached by ClinVar (database versions not stated): TOPMed below 0.00001; ExAC 0.00001; gnomAD 0.00001; gnomAD exomes 0.00001.
gnomAD v4.1: 11 of 1,613,960 alleles (0.00068%); highest among the groups gnomAD compares: Non-Finnish European, 0.00093%; no homozygotes.

Submission:

Labcorp Genetics (formerly Invitae), Labcorp
Classification: Uncertain significance for Charcot-Marie-Tooth disease axonal type 2P. Last evaluated: 2024-10-21. Review status: criteria provided, single submitter. Criteria: Invitae Variant Classification Sherloc (09022015). Collection method: clinical testing. Allele origin: germline.
Comment: This sequence change replaces serine, which is neutral and polar, with tyrosine, which is neutral and polar, at codon 387 of the LRSAM1 protein (p.Ser387Tyr). This variant is present in population databases (rs758094270, gnomAD 0.002%). This variant has not been reported in the literature in individuals affected with LRSAM1-related conditions. ClinVar contains an entry for this variant (Variation ID: 539995). An algorithm developed to predict the effect of missense changes on protein structure and function (PolyPhen-2) suggests that this variant is likely to be disruptive. In summary, the available evidence is currently insufficient to determine the role of this variant in disease. Therefore, it has been classified as a Variant of Uncertain Significance.